The following is an entry in ClinVar:

NM_006206.6(PDGFRA):c.2473C>T (p.Leu825Phe)

Gene: PDGFRA (platelet derived growth factor receptor alpha; plus strand). Cytogenetic location: 4q12.
Variant type: single nucleotide variant.
Coding change: c.2473C>T on transcript NM_006206.6 (MANE Select); coding-DNA position 2473, C replaced by T.
Protein change: p.Leu825Phe; replaces leucine 825 with phenylalanine.
Molecular consequence: missense variant.
Genome position (GRCh38, 1-based): chr4:54,285,874, C>T. VCF-style: chr4-54285874-C-T. GRCh37 (hg19) VCF-style: chr4-55152041-C-T.
Other names: c.2548C>T, p.Leu850Phe (NM_001347828.2); c.2473C>T, p.Leu825Phe (NM_001347829.2); c.2512C>T, p.Leu838Phe (NM_001347830.2); short protein forms L825F, L838F, L850F.
Identifiers: ClinVar variation 3887353 (VCV003887353.1).

ClinVar aggregate classification (germline): Uncertain significance (1 of 4 stars; one submission).

Conditions:
Hereditary cancer-predisposing syndrome. Also called: Tumor predisposition; Neoplastic Syndromes, Hereditary; Hereditary Cancer Syndrome; Hereditary neoplastic syndrome. Identifiers: Orphanet 140162, MedGen C0027672, MeSH D009386, MONDO:0015356.

Submission:

Ambry Genetics
Classification: Uncertain significance for Hereditary cancer-predisposing syndrome. Last evaluated: 2025-01-14. Review status: criteria provided, single submitter. Criteria: Ambry Variant Classification Scheme 2023. Collection method: clinical testing. Allele origin: germline.
Comment: The p.L825F variant (also known as c.2473C>T), located in coding exon 17 of the PDGFRA gene, results from a C to T substitution at nucleotide position 2473. The leucine at codon 825 is replaced by phenylalanine, an amino acid with highly similar properties. This amino acid position is conserved. In addition, this alteration is predicted to be deleterious by in silico analysis. Based on the available evidence, the clinical significance of this variant remains unclear.